The following is an entry in ClinVar:

ClinVar aggregate classification (germline): Uncertain significance (1 of 4 stars; one submission).

Conditions:
Glycine encephalopathy. Also called: Nonketotic hyperglycinemia; Non-ketotic hyperglycinemia. Identifiers: Orphanet 407, MedGen C0751748, MONDO:0011612, HP:0008288.

gnomAD v4.1: 3 of 1,613,988 alleles (0.00019%); highest among the groups gnomAD compares: Non-Finnish European, 0.00025%; no homozygotes.

Submission:

Labcorp Genetics (formerly Invitae), Labcorp
Classification: Uncertain significance for Glycine encephalopathy. Last evaluated: 2022-08-20. Review status: criteria provided, single submitter. Criteria: Invitae Variant Classification Sherloc (09022015). Collection method: clinical testing. Allele origin: germline.
Comment: This sequence change replaces alanine, which is neutral and non-polar, with valine, which is neutral and non-polar, at codon 816 of the GLDC protein (p.Ala816Val). This variant is not present in population databases (gnomAD no frequency). This variant has not been reported in the literature in individuals affected with GLDC-related conditions. ClinVar contains an entry for this variant (Variation ID: 1398328). Advanced modeling of protein sequence and biophysical properties (such as structural, functional, and spatial information, amino acid conservation, physicochemical variation, residue mobility, and thermodynamic stability) performed at Invitae indicates that this missense variant is not expected to disrupt GLDC protein function. In summary, the available evidence is currently insufficient to determine the role of this variant in disease. Therefore, it has been classified as a Variant of Uncertain Significance.

NM_000170.3(GLDC):c.2447C>T (p.Ala816Val)

Gene: GLDC (glycine decarboxylase; minus strand). Cytogenetic location: 9p24.1.
Variant type: single nucleotide variant.
Coding change: c.2447C>T on transcript NM_000170.3 (MANE Select); coding-DNA position 2447, C replaced by T.
Protein change: p.Ala816Val; replaces alanine 816 with valine.
Molecular consequence: missense variant.
Genome position (GRCh38, 1-based): chr9:6,553,378, G>A on the plus strand (C>T on the coding strand, the complement: GLDC is on the minus strand). VCF-style: chr9-6553378-G-A. GRCh37 (hg19) VCF-style: chr9-6553378-G-A.
Other names: short protein forms A816V.
Identifiers: ClinVar variation 1398328 (VCV001398328.3), dbSNP rs2129714588, ClinGen allele CA372878198.